The following is an entry in ClinVar:

ClinVar aggregate classification (germline): Uncertain significance (1 of 4 stars; one submission).

Submission:

GeneDx
Classification: Uncertain significance. Last evaluated: 2025-04-28. Review status: criteria provided, single submitter. Criteria: GeneDx Variant Classification Process June 2021. Collection method: clinical testing. Allele origin: germline. Affected: yes.
Comment: Not observed at significant frequency in large population cohorts (gnomAD); In silico analysis indicates that this missense variant does not alter protein structure/function; Has not been previously published as pathogenic or benign to our knowledge

NM_004667.6(HERC2):c.4474A>G (p.Ile1492Val)

Gene: HERC2 (HECT and RLD domain containing E3 ubiquitin protein ligase 2; minus strand). Cytogenetic location: 15q13.1.
Variant type: single nucleotide variant.
Coding change: c.4474A>G on transcript NM_004667.6 (MANE Select); coding-DNA position 4474, A replaced by G.
Protein change: p.Ile1492Val; replaces isoleucine 1492 with valine.
Molecular consequence: missense variant.
Genome position (GRCh38, 1-based): chr15:28,233,439, T>C on the plus strand (A>G on the coding strand, the complement: HERC2 is on the minus strand). VCF-style: chr15-28233439-T-C. GRCh37 (hg19) VCF-style: chr15-28478585-T-C.
Other names: short protein forms I1492V.
Identifiers: ClinVar variation 4527790 (VCV004527790.1).